The following is an entry in ClinVar:

NM_005732.4(RAD50):c.59A>G (p.Lys20Arg)

Gene: RAD50 (RAD50 double strand break repair protein; plus strand). Cytogenetic location: 5q31.1.
Variant type: single nucleotide variant.
Coding change: c.59A>G on transcript NM_005732.4 (MANE Select); coding-DNA position 59, A replaced by G.
Protein change: p.Lys20Arg; replaces lysine 20 with arginine.
Molecular consequence: missense variant.
Genome position (GRCh38, 1-based): chr5:132,557,383, A>G. VCF-style: chr5-132557383-A-G. GRCh37 (hg19) VCF-style: chr5-131893075-A-G.
Other names: short protein forms K20R.
Identifiers: ClinVar variation 482145 (VCV000482145.13), dbSNP rs1554096640, ClinGen allele CA360951202.

ClinVar aggregate classification (germline): Uncertain significance. Review status: criteria provided, multiple submitters, no conflicts (2 of 4 stars). 2 submissions from 2 submitters: Uncertain significance (2). Last evaluated 2023-08-03.

Conditions:
Hereditary cancer-predisposing syndrome. Also called: Neoplastic Syndromes, Hereditary; Tumor predisposition; Hereditary Cancer Syndrome; Hereditary neoplastic syndrome. Identifiers: Orphanet 140162, MedGen C0027672, MeSH D009386, MONDO:0015356.

Allele frequency attached by ClinVar (database versions not stated): TOPMed below 0.00001.

Submissions (2):

Labcorp Genetics (formerly Invitae), Labcorp
Classification: Uncertain significance for Hereditary cancer-predisposing syndrome. Last evaluated: 2023-08-03. Review status: criteria provided, single submitter. Criteria: Invitae Variant Classification Sherloc (09022015). Collection method: clinical testing. Allele origin: germline.
Comment: An algorithm developed to predict the effect of missense changes on protein structure and function (PolyPhen-2) suggests that this variant is likely to be disruptive. In summary, the available evidence is currently insufficient to determine the role of this variant in disease. Therefore, it has been classified as a Variant of Uncertain Significance. ClinVar contains an entry for this variant (Variation ID: 482145). This variant has not been reported in the literature in individuals affected with RAD50-related conditions. This variant is not present in population databases (gnomAD no frequency). This sequence change replaces lysine, which is basic and polar, with arginine, which is basic and polar, at codon 20 of the RAD50 protein (p.Lys20Arg).

Ambry Genetics
Classification: Uncertain significance for Hereditary cancer-predisposing syndrome. Last evaluated: 2019-04-02. Review status: criteria provided, single submitter. Criteria: Ambry Variant Classification Scheme 2023. Collection method: clinical testing. Allele origin: germline.
Comment: The p.K20R variant (also known as c.59A>G), located in coding exon 1 of the RAD50 gene, results from an A to G substitution at nucleotide position 59. The lysine at codon 20 is replaced by arginine, an amino acid with highly similar properties. This amino acid position is highly conserved in available vertebrate species. In addition, this alteration is predicted to be tolerated by in silico analysis. Since supporting evidence is limited at this time, the clinical significance of this alteration remains unclear.